The following is an entry in ClinVar:

ClinVar aggregate classification (germline): Uncertain significance (1 of 4 stars; one submission).

Submission:

Labcorp Genetics (formerly Invitae), Labcorp
Classification: Uncertain significance. Last evaluated: 2022-10-26. Review status: criteria provided, single submitter. Criteria: Invitae Variant Classification Sherloc (09022015). Collection method: clinical testing. Allele origin: germline.
Comment: This variant is not present in population databases (gnomAD no frequency). This missense change has been observed in individual(s) with GCKR-related conditions (PMID: 32041611). Algorithms developed to predict the effect of missense changes on protein structure and function (SIFT, PolyPhen-2, Align-GVGD) all suggest that this variant is likely to be tolerated. In summary, the available evidence is currently insufficient to determine the role of this variant in disease. Therefore, it has been classified as a Variant of Uncertain Significance. This sequence change replaces arginine, which is basic and polar, with serine, which is neutral and polar, at codon 215 of the GCKR protein (p.Arg215Ser).

Literature cited by the submitters: PubMed 32041611.

NM_001486.4(GCKR):c.645A>C (p.Arg215Ser)

Gene: GCKR (glucokinase regulator; plus strand). Cytogenetic location: 2p23.3.
Variant type: single nucleotide variant.
Coding change: c.645A>C on transcript NM_001486.4 (MANE Select); coding-DNA position 645, A replaced by C.
Protein change: p.Arg215Ser; replaces arginine 215 with serine.
Molecular consequence: missense variant.
Genome position (GRCh38, 1-based): chr2:27,503,514, A>C. VCF-style: chr2-27503514-A-C. GRCh37 (hg19) VCF-style: chr2-27726381-A-C.
Other names: short protein forms R215S.
Identifiers: ClinVar variation 2780005 (VCV002780005.3), dbSNP rs2466105482, ClinGen allele CA346415620.
Genomic context (GRCh38, chr2:27,503,514, plus strand): 5'-AGGCCCTTCTTTGAGATCCTCATAGACAATCTCCCCACCTTGTGTCTCTCTGGACCTCAG[A>C]AATGACCCCATTGAAGACTGGAGTTCAACATTCCGACAAGTAGCAGAGCGGATGCAGAAA-3'
Protein context (NP_001477.2, residues 205-225): LVGFNPVSMA[Arg215Ser]NDPIEDWSST